The following is an entry in ClinVar:

ClinVar aggregate classification (germline): Uncertain significance (1 of 4 stars; one submission).

Submission:

Labcorp Genetics (formerly Invitae), Labcorp
Classification: Uncertain significance. Last evaluated: 2025-12-10. Review status: criteria provided, single submitter. Criteria: Invitae Variant Classification Sherloc (09022015). Collection method: clinical testing. Allele origin: germline.
Comment: This sequence change creates a premature translational stop signal (p.Leu170Phefs*17) in the MCM4 gene. It is expected to result in an absent or disrupted protein product. However, the current clinical and genetic evidence is not sufficient to establish whether loss-of-function variants in MCM4 cause disease. This variant is not present in population databases (gnomAD no frequency). This variant has not been reported in the literature in individuals affected with MCM4-related conditions. In summary, the available evidence is currently insufficient to determine the role of this variant in disease. Therefore, it has been classified as a Variant of Uncertain Significance.

NM_182746.3(MCM4):c.507del (p.Leu170fs)

Gene: MCM4 (minichromosome maintenance complex component 4; plus strand). Cytogenetic location: 8q11.21.
Variant type: Deletion.
Coding change: c.507del on transcript NM_182746.3 (MANE Select); coding-DNA position 507, one base deleted (T; older notation c.507delT).
Protein change: p.Leu170fs; shifts the reading frame from leucine 170.
Molecular consequence: frameshift variant.
Genome position (GRCh38, 1-based): chr8:47,962,769, T deleted; the last of 3 consecutive T bases (chr8:47,962,767-47,962,769); deleting any one gives the same sequence. VCF-style (leftmost placement, unchanged base first): chr8-47962766-AT-A. GRCh37 (hg19) VCF-style: chr8-48875326-AT-A.
Other names: c.507del, p.Leu170fs (NM_005914.4); short protein forms L170fs.
Identifiers: ClinVar variation 4731689 (VCV004731689.1).